The following is an entry in ClinVar:

ClinVar aggregate classification (germline): Uncertain significance (1 of 4 stars; one submission).

Conditions:
RASopathy. Also called: Noonan spectrum disorder; rasopathies. Identifiers: Orphanet 536391, MedGen C5555857, MONDO:0021060.

Submission:

Labcorp Genetics (formerly Invitae), Labcorp
Classification: Uncertain significance for RASopathy. Last evaluated: 2025-07-21. Review status: criteria provided, single submitter. Criteria: Invitae Variant Classification Sherloc (09022015). Collection method: clinical testing. Allele origin: germline.
Comment: This sequence change replaces isoleucine, which is neutral and non-polar, with valine, which is neutral and non-polar, at codon 114 of the SHOC2 protein (p.Ile114Val). This variant is not present in population databases (gnomAD no frequency). This variant has not been reported in the literature in individuals affected with SHOC2-related conditions. ClinVar contains an entry for this variant (Variation ID: 3698737). Invitae Evidence Modeling of protein sequence and biophysical properties (such as structural, functional, and spatial information, amino acid conservation, physicochemical variation, residue mobility, and thermodynamic stability) indicates that this missense variant is not expected to disrupt SHOC2 protein function with a negative predictive value of 80%. In summary, the available evidence is currently insufficient to determine the role of this variant in disease. Therefore, it has been classified as a Variant of Uncertain Significance.

NM_007373.4(SHOC2):c.340A>G (p.Ile114Val)

Gene: SHOC2 (SHOC2 leucine rich repeat scaffold protein; plus strand). Cytogenetic location: 10q25.2.
Variant type: single nucleotide variant.
Coding change: c.340A>G on transcript NM_007373.4 (MANE Select); coding-DNA position 340, A replaced by G.
Protein change: p.Ile114Val; replaces isoleucine 114 with valine.
Molecular consequence: missense variant.
Genome position (GRCh38, 1-based): chr10:110,964,698, A>G. VCF-style: chr10-110964698-A-G. GRCh37 (hg19) VCF-style: chr10-112724456-A-G.
Other names: c.340A>G, p.Ile114Val (NM_001269039.3, NM_001324336.2, NM_001324337.2); short protein forms I114V.
Identifiers: ClinVar variation 3698737 (VCV003698737.2).